The following is an entry in ClinVar:

NM_000094.4(COL7A1):c.5149G>A (p.Glu1717Lys)

Gene: COL7A1 (collagen type VII alpha 1 chain; minus strand). Cytogenetic location: 3p21.31.
Variant type: single nucleotide variant.
Coding change: c.5149G>A on transcript NM_000094.4 (MANE Select); coding-DNA position 5149, G replaced by A.
Protein change: p.Glu1717Lys; replaces glutamic acid 1717 with lysine.
Molecular consequence: missense variant.
Genome position (GRCh38, 1-based): chr3:48,579,790, C>T on the plus strand (G>A on the coding strand, the complement: COL7A1 is on the minus strand). VCF-style: chr3-48579790-C-T. GRCh37 (hg19) VCF-style: chr3-48617223-C-T.
Other names: short protein forms E1717K.
Identifiers: ClinVar variation 2144674 (VCV002144674.1), dbSNP rs148813404, ClinGen allele CA2379635.

ClinVar aggregate classification (germline): Uncertain significance (1 of 4 stars; one submission).

Allele frequency attached by ClinVar (database versions not stated): ExAC 0.00001; gnomAD 0.00001; TOPMed 0.00002; gnomAD exomes 0.00005; ESP Exome Variant Server 0.00008.
gnomAD v4.1: 87 of 1,614,006 alleles (0.0054%); highest among the groups gnomAD compares: Non-Finnish European, 0.0065%; no homozygotes.

Submission:

Labcorp Genetics (formerly Invitae), Labcorp
Classification: Uncertain significance. Last evaluated: 2022-10-21. Review status: criteria provided, single submitter. Criteria: Invitae Variant Classification Sherloc (09022015). Collection method: clinical testing. Allele origin: germline.
Comment: This sequence change replaces glutamic acid, which is acidic and polar, with lysine, which is basic and polar, at codon 1717 of the COL7A1 protein (p.Glu1717Lys). This variant is present in population databases (rs148813404, gnomAD 0.003%). This variant has not been reported in the literature in individuals affected with COL7A1-related conditions. Advanced modeling of protein sequence and biophysical properties (such as structural, functional, and spatial information, amino acid conservation, physicochemical variation, residue mobility, and thermodynamic stability) performed at Invitae indicates that this missense variant is not expected to disrupt COL7A1 protein function. In summary, the available evidence is currently insufficient to determine the role of this variant in disease. Therefore, it has been classified as a Variant of Uncertain Significance.